The following is an entry in ClinVar:

NM_000218.3(KCNQ1):c.1352G>A (p.Arg451Gln)

Gene: KCNQ1 (potassium voltage-gated channel subfamily Q member 1; plus strand). Cytogenetic location: 11p15.5.
Variant type: single nucleotide variant.
Coding change: c.1352G>A on transcript NM_000218.3 (MANE Select); coding-DNA position 1352, G replaced by A.
Protein change: p.Arg451Gln; replaces arginine 451 with glutamine.
Molecular consequence: missense variant.
Genome position (GRCh38, 1-based): chr11:2,588,813, G>A. VCF-style: chr11-2588813-G-A. GRCh37 (hg19) VCF-style: chr11-2610043-G-A.
Other names: p.R451Q:CGG>CAG; c.1352G>A (LRG_287t1); c.1256G>A, p.Arg419Gln (NM_001406836.1); c.1082G>A, p.Arg361Gln (NM_001406837.1); c.812G>A, p.Arg271Gln (NM_001406838.1); c.971G>A, p.Arg324Gln (NM_181798.2); short protein forms R451Q, R324Q, R271Q, R361Q, R419Q.
Identifiers: ClinVar variation 67029 (VCV000067029.28), dbSNP rs199472781, ClinGen allele CA005664.
Genomic context (GRCh38, chr11:2,588,813, plus strand): 5'-TGACTCCTGGAGAGAAGATGCTCACAGTCCCCCATATCACGTGCGACCCCCCAGAAGAGC[G>A]GCGGCTGGACCACTTCTCTGTCGACGGCTATGACAGTTCTGGTGAGAACCCCTCAGGCAG-3'
Protein context (NP_000209.2, residues 441-461): PHITCDPPEE[Arg451Gln]RLDHFSVDGY

ClinVar aggregate classification (germline): Conflicting classifications of pathogenicity. Review status: criteria provided, conflicting classifications (1 of 4 stars). 12 submissions from 9 submitters: Uncertain significance (6); Benign (2); Likely benign (2). 2 of the submissions do not count toward it. Last evaluated 2026-01-19.

Conditions:
Cardiovascular phenotype. Identifiers: MedGen CN230736.
Cardiac arrhythmia. Also called: Arrhythmia; Cardiac rhythm disease. Identifiers: MedGen C0003811, MONDO:0007263, HP:0011675.
Long QT syndrome (LQTS). Identifiers: MedGen C0023976, MeSH D008133, MONDO:0002442. Disease mechanism: loss of function. Inheritance: Various modes of inheritance.
Long QT syndrome 1 (LQT1). Identifiers: Orphanet 101016, Orphanet 768, MedGen C4551647, MONDO:0100316, OMIM 192500, MONDO:0008646.
Atrial fibrillation, familial, 3 (ATFB3). Identifiers: MedGen C1837014, MONDO:0011857, OMIM 607554.
Jervell and Lange-Nielsen syndrome 1 (JLNS1). Also called: DEAFNESS, CONGENITAL, AND FUNCTIONAL HEART DISEASE; CARDIOAUDITORY SYNDROME OF JERVELL AND LANGE-NIELSEN; PROLONGED QT INTERVAL IN EKG AND SUDDEN DEATH; SURDO-CARDIAC SYNDROME. Identifiers: Orphanet 768, Orphanet 90647, MedGen C4551509, MONDO:0024540, OMIM 220400.
Short QT syndrome type 2. Identifiers: Orphanet 51083, MedGen C1865019, MONDO:0012313, OMIM 609621.

Allele frequency attached by ClinVar (database versions not stated): gnomAD exomes 0.00002 and 0.00003; ExAC 0.00003; ESP Exome Variant Server 0.00015; gnomAD 0.00017 and 0.00020; TOPMed 0.00022.
gnomAD v4.1: 62 of 1,613,078 alleles (0.0038%); highest among the groups gnomAD compares: African/African-American, 0.053%; no homozygotes.

Submissions (12):

Labcorp Genetics (formerly Invitae), Labcorp
Classification: Benign for Long QT syndrome. Last evaluated: 2026-01-19. Review status: criteria provided, single submitter. Criteria: Invitae Variant Classification Sherloc (09022015). Collection method: clinical testing. Allele origin: germline.

Revvity Omics, Revvity
Classification: Uncertain significance. Last evaluated: 2024-09-11. Review status: criteria provided, single submitter. Criteria: ACMG Guidelines, 2015. Collection method: clinical testing. Allele origin: germline.

Color Diagnostics, LLC DBA Color Health
Classification: Likely benign for Cardiac arrhythmia. Last evaluated: 2024-07-18. Review status: criteria provided, single submitter. Criteria: ACMG Guidelines, 2015. Collection method: clinical testing. Allele origin: germline.

All of Us Research Program, National Institutes of Health
Classification: Uncertain significance for Long QT syndrome. Last evaluated: 2023-11-20. Review status: criteria provided, single submitter. Criteria: ACMG Guidelines, 2015. Collection method: clinical testing. Allele origin: germline. Inheritance: Autosomal dominant inheritance. Observed: 11 variant alleles, 11 heterozygotes.
Comment: This missense variant replaces arginine with glutamine at codon 451 of the KCNQ1 protein. Computational prediction is inconclusive regarding the impact of this variant on protein structure and function (internally defined REVEL score threshold 0.5 < inconclusive < 0.7, PMID: 27666373). An experimental functional study using transfected CHO cells has shown that this variant causes a reduction in current (PMID: 36898499). A zebrafish model for this variant showed lower heart rate and time interval between peak maximum upstroke velocity and time for repolarization (PMID: 36898499). This variant has been reported in an individual affected with long QT syndrome (PMID: 15234419). This variant has been identified in 13/281216 chromosomes in the general population by the Genome Aggregation Database (gnomAD). The relatively high frequency of this variant in the general population suggests that this variant is unlikely to be disease-causing. However, additional studies are necessary to determine the role of this variant in disease conclusively. Therefore, this variant is classified as a Variant of Uncertain Significance.

This study involves interpretation of variants in research participants for the purpose of population health screening. Participant phenotype was not available at the time of variant classification. Additional details can be found in publication PMID: 35346344, PMCID: PMC8962531

Ambry Genetics
Classification: Likely benign for Cardiovascular phenotype. Last evaluated: 2022-06-07. Review status: criteria provided, single submitter. Criteria: Ambry Variant Classification Scheme 2023. Collection method: clinical testing. Allele origin: germline.

GeneDx
Classification: Uncertain significance. Last evaluated: 2018-10-24. Review status: criteria provided, single submitter. Criteria: GeneDx Variant Classification (06012015). Collection method: clinical testing. Allele origin: germline. Affected: yes.
Comment: A variant of uncertain significance has been identified in the KCNQ1 gene. However, no segregation data was available for either of these individuals. Nevertheless, the R451Q variant was not observed with any significant frequency in approximately 6,500 individuals of European and African American ancestry in the NHLBI Exome Sequencing Project, indicating it is not a common benign variant in these populations. Furthermore, R451Q is a semi-conservative amino acid substitution, which may impact secondary protein structure as these residues differ in some properties. This substitution occurs at a position that is conserved in mammals, however, Glutamine is tolerated at this position in at least one mammalian species, and in silico analysis predicts this variant likely does not alter the protein structure/function. Finally, a missense variant at the same residue (R451W) has been reported in HGMD in association with LQTS (Stenson et al., 2014), however, the clinical significance of this variant has not been definitely determined. Therefore, based on the currently available information, it is unclear whether this variant is pathogenic or rare benign.

Illumina Laboratory Services, Illumina
Classification: Benign for Short QT syndrome type 2. Last evaluated: 2017-04-27. Review status: criteria provided, single submitter. Criteria: ICSL Variant Classification Criteria 13 December 2019. Collection method: clinical testing. Allele origin: germline.
Comment: This variant was observed as part of a predisposition screen in an ostensibly healthy population. A literature search was performed for the gene, cDNA change, and amino acid change (where applicable). No publications were found based on this search. Allele frequency data from public databases was too high to be consistent with this variant causing disease. Therefore, this variant is classified as benign.

Illumina Laboratory Services, Illumina
Classification: Uncertain significance for Long QT syndrome 1. Last evaluated: 2017-04-27. Review status: criteria provided, single submitter. Criteria: ICSL Variant Classification Criteria 13 December 2019. Collection method: clinical testing. Allele origin: germline.
Comment: This variant was observed as part of a predisposition screen in an ostensibly healthy population. A literature search was performed for the gene, cDNA change, and amino acid change (where applicable). Publications were found based on this search. However, the evidence from the literature, in combination with allele frequency data from public databases where available, was not sufficient to rule this variant in or out of causing disease. Therefore, this variant is classified as a variant of unknown significance.

Illumina Laboratory Services, Illumina
Classification: Uncertain significance for Atrial fibrillation, familial, 3. Last evaluated: 2017-04-27. Review status: criteria provided, single submitter. Criteria: ICSL Variant Classification Criteria 13 December 2019. Collection method: clinical testing. Allele origin: germline.

Illumina Laboratory Services, Illumina
Classification: Uncertain significance for Jervell and Lange-Nielsen syndrome 1. Last evaluated: 2017-04-27. Review status: criteria provided, single submitter. Criteria: ICSL Variant Classification Criteria 13 December 2019. Collection method: clinical testing. Allele origin: germline.

CSER _CC_NCGL, University of Washington
Classification: Uncertain significance for Long QT syndrome. Last evaluated: 2014-06-01. Review status: no assertion criteria provided. Collection method: research. Allele origin: germline. Inheritance: Autosomal dominant inheritance. Study: ESP 6500 variant annotation. Not counted in ClinVar's aggregate classification.
Comment: Variants classified for the Actionable exomic incidental findings in 6503 participants: challenges of variant classification manuscript

Cardiovascular Biomedical Research Unit, Royal Brompton & Harefield NHS Foundation Trust
No classification provided. Review status: no classification provided. Collection method: literature only. Allele origin: germline. Not counted in ClinVar's aggregate classification.
Comment: This variant has been reported in the following publications (PMID:14661677;PMID:15234419;PMID:19841300;PMID:22378279).

Literature cited by the submitters: PubMed 15234419 (cited by 3 submitters); PubMed 36898499 (cited by All of Us Research Program, National Institutes of Health); PubMed 14661677 (cited by 3 submitters); PubMed 19716085 (cited by Ambry Genetics); PubMed 19841300 (cited by 3 submitters); PubMed 22378279 (cited by 3 submitters); PubMed 22949429 (cited by Ambry Genetics); PubMed 24055113 (cited by Ambry Genetics and Illumina Laboratory Services, Illumina); PubMed 25637381 (cited by Ambry Genetics and Illumina Laboratory Services, Illumina); PubMed 2294929 (cited by Illumina Laboratory Services, Illumina); PubMed 22581653 (cited by Cardiovascular Biomedical Research Unit, Royal Brompton & Harefield NHS Foundation Trust).